The following is an entry in ClinVar:

NM_001079802.2(FKTN):c.617A>C (p.Gln206Pro)

Gene: FKTN (fukutin; plus strand). Cytogenetic location: 9q31.2.
Variant type: single nucleotide variant.
Coding change: c.617A>C on transcript NM_001079802.2 (MANE Select); coding-DNA position 617, A replaced by C.
Protein change: p.Gln206Pro; replaces glutamine 206 with proline.
Molecular consequence: missense variant. On other transcripts: non-coding transcript variant (2).
Genome position (GRCh38, 1-based): chr9:105,604,462, A>C. VCF-style: chr9-105604462-A-C. GRCh37 (hg19) VCF-style: chr9-108366743-A-C.
Other names: c.617A>C, p.Gln206Pro (NM_001198963.2, NM_001351496.2, NM_001351498.2 and 1 more transcripts); c.548A>C, p.Gln183Pro (NM_001351497.2); c.221A>C, p.Gln74Pro (NM_001351499.2, NM_001351500.2, NM_001351501.2 and 1 more transcripts); short protein forms Q183P, Q74P, Q206P.
Identifiers: ClinVar variation 1953335 (VCV001953335.5), dbSNP rs2539413508, ClinGen allele CA374332379.
Genomic context (GRCh38, chr9:105,604,462, plus strand): 5'-ACGGCCACTTGAGACTTAAAGAACACATTGACAGGAAATTTGTTCCCTTCCGAAAGTTAC[A>C]GTTTGGTCGTTATCCAGGAGCTTTTGACAGGTAAGTTCAGAGTCAAAACGTGAAATGTGA-3'
Protein context (NP_001073270.1, residues 196-216): DRKFVPFRKL[Gln206Pro]FGRYPGAFDR

ClinVar aggregate classification (germline): Uncertain significance (1 of 4 stars; one submission).

Conditions:
Walker-Warburg congenital muscular dystrophy. Also called: Muscular dystrophy-dystroglycanopathy, type A; Walker-Warburg syndrome. Identifiers: Orphanet 899, MedGen C0265221, MONDO:0000171.

Submission:

Labcorp Genetics (formerly Invitae), Labcorp
Classification: Uncertain significance for Walker-Warburg congenital muscular dystrophy. Last evaluated: 2022-04-28. Review status: criteria provided, single submitter. Criteria: Invitae Variant Classification Sherloc (09022015). Collection method: clinical testing. Allele origin: germline.
Comment: In summary, the available evidence is currently insufficient to determine the role of this variant in disease. Therefore, it has been classified as a Variant of Uncertain Significance. Algorithms developed to predict the effect of missense changes on protein structure and function (SIFT, PolyPhen-2, Align-GVGD) all suggest that this variant is likely to be tolerated. This variant has not been reported in the literature in individuals affected with FKTN-related conditions. This variant is not present in population databases (gnomAD no frequency). This sequence change replaces glutamine, which is neutral and polar, with proline, which is neutral and non-polar, at codon 206 of the FKTN protein (p.Gln206Pro).